The following is an entry in ClinVar:

NM_000359.3(TGM1):c.1972del (p.His658fs)

Gene: TGM1 (transglutaminase 1; minus strand). Cytogenetic location: 14q12.
Variant type: Deletion.
Coding change: c.1972del on transcript NM_000359.3 (MANE Select); coding-DNA position 1972, one base deleted (C; older notation c.1972delC).
Protein change: p.His658fs; shifts the reading frame from histidine 658.
Molecular consequence: frameshift variant.
Genome position (GRCh38, 1-based): chr14:24,254,780, G deleted on the plus strand (C on the coding strand, the reverse complement: TGM1 is on the minus strand); the first of 4 consecutive G bases (chr14:24,254,780-24,254,783); deleting any one gives the same sequence. VCF-style (leftmost placement, unchanged base first): chr14-24254779-TG-T. GRCh37 (hg19) VCF-style: chr14-24723985-TG-T.
Other names: short protein forms H658fs.
Identifiers: ClinVar variation 4062242 (VCV004062242.2).

ClinVar aggregate classification (germline): Likely pathogenic (1 of 4 stars; one submission).

Conditions:
Autosomal recessive congenital ichthyosis 1 (LI1). Also called: COLLODION FETUS; DESQUAMATION OF NEWBORN; ICHTHYOSIS CONGENITA; ICHTHYOSIS CONGENITA II; LAMELLAR EXFOLIATION OF NEWBORN; ICHTHYOSIS, CONGENITAL, AUTOSOMAL RECESSIVE 1, WITH BATHING SUIT DISTRIBUTION. Identifiers: MedGen C4551630, MONDO:0009441, OMIM 242300.

Submission:

Natera, Inc.
Classification: Likely pathogenic for Autosomal recessive congenital ichthyosis type 1. Last evaluated: 2025-04-15. Review status: criteria provided, single submitter. Criteria: Natera Variant Classification Schema (03/2026). Collection method: clinical testing. Allele origin: germline.
Comment: The c.1972del variant in TGM1 is a frameshift variant predicted to shift the reading frame beginning at codon 658 and leads to a stop codon 93 codons downstream. This variant is expected to result in nonsense mediated decay, truncation, or a dysfunctional protein product. This variant is rare in the general population with a frequency below the threshold expected for the associated phenotype(s). Given the available evidence, this variant is classified as Likely Pathogenic.